The following is an entry in ClinVar:

ClinVar aggregate classification (germline): Pathogenic (1 of 4 stars; one submission).

Conditions:
Retinoblastoma (RB1). Also called: RETINOBLASTOMA, SOMATIC. Identifiers: Orphanet 790, MedGen C0035335, MeSH D012175, MONDO:0008380, OMIM 180200, HP:0009919. Disease mechanism: loss of function. Inheritance: Both sporadic and heritable forms are tested..

Submission:

Genetic Diagnostic Laboratory, University of Pennsylvania School of Medicine
Classification: Pathogenic for Retinoblastoma. Last evaluated: 2024-05-20. Review status: criteria provided, single submitter. Criteria: ACMG Guidelines, 2015. Collection method: clinical testing. Allele origin: germline. Affected: yes. Observed: 1 variant allele.
Comment: Case and Pedigree Information: BILATERAL CASES:0, UNILATERAL CASES:1, TOTAL CASES:1, PEDIGREES:1. ACMG Codes Applied:PVS1, PM2

NM_000321.3(RB1):c.2370C>G (p.Tyr790Ter)

Gene: RB1 (RB transcriptional corepressor 1; plus strand). Cytogenetic location: 13q14.2.
Variant type: single nucleotide variant.
Coding change: c.2370C>G on transcript NM_000321.3 (MANE Select); coding-DNA position 2370, C replaced by G.
Protein change: p.Tyr790Ter; replaces tyrosine 790 with a stop codon.
Molecular consequence: nonsense.
Genome position (GRCh38, 1-based): chr13:48,465,249, C>G. VCF-style: chr13-48465249-C-G. GRCh37 (hg19) VCF-style: chr13-49039385-C-G.
Other names: L11910:g.162248C>G; short protein forms Y790*.
Identifiers: ClinVar variation 126802 (VCV000126802.2), dbSNP rs794727372, ClinGen allele CA388167838.